The following is an entry in ClinVar:

NM_000081.4(LYST):c.1724C>T (p.Ser575Leu)

Gene: LYST (lysosomal trafficking regulator; minus strand). Cytogenetic location: 1q42.3.
Variant type: single nucleotide variant.
Coding change: c.1724C>T on transcript NM_000081.4 (MANE Select); coding-DNA position 1724, C replaced by T.
Protein change: p.Ser575Leu; replaces serine 575 with leucine.
Molecular consequence: missense variant.
Genome position (GRCh38, 1-based): chr1:235,809,094, G>A on the plus strand (C>T on the coding strand, the complement: LYST is on the minus strand). VCF-style: chr1-235809094-G-A. GRCh37 (hg19) VCF-style: chr1-235972394-G-A.
Other names: c.1724C>T, p.Ser575Leu (NM_001301365.1); c.1724C>T (NM_000081.2); short protein forms S575L.
Identifiers: ClinVar variation 861983 (VCV000861983.8), dbSNP rs776971122, ClinGen allele CA1467414.
Genomic context (GRCh38, chr1:235,809,094, plus strand): 5'-AAAGGAATGATTACAGATTTGGGATCCATACAACAGCATATTCCAATGTTATGAACACCC[G>A]ATAGGATCTGGACACAAGTGCTGCTCAAGGAAGCCTGCTGTAGTAAGCGCAAGCACTGAT-3'
Protein context (NP_000072.2, residues 565-585): SLSSTCVQIL[Ser575Leu]GVHNIGICCC

ClinVar aggregate classification (germline): Conflicting classifications of pathogenicity. Review status: criteria provided, conflicting classifications (1 of 4 stars). 2 submissions from 2 submitters: Uncertain significance (1); Likely benign (1). Last evaluated 2024-12-23.

Conditions:
Chédiak-Higashi syndrome (CHS). Also called: Chediak-Higashi Syndrome. Identifiers: Orphanet 167, MedGen C0007965, MONDO:0008963, OMIM 214500.
Inborn genetic diseases. Identifiers: MedGen C0950123, MeSH D030342.

Allele frequency attached by ClinVar (database versions not stated): TOPMed 0.00001; ExAC 0.00002; gnomAD 0.00002; gnomAD exomes 0.00004.
gnomAD v4.1: 56 of 1,613,984 alleles (0.0035%); highest among the groups gnomAD compares: South Asian, 0.0088%; no homozygotes.

Submissions (2):

Ambry Genetics
Classification: Likely benign for Inborn genetic diseases. Last evaluated: 2024-12-23. Review status: criteria provided, single submitter. Criteria: Ambry Variant Classification Scheme 2023. Collection method: clinical testing. Allele origin: germline.

Labcorp Genetics (formerly Invitae), Labcorp
Classification: Uncertain significance for Chédiak-Higashi syndrome. Last evaluated: 2021-08-26. Review status: criteria provided, single submitter. Criteria: Invitae Variant Classification Sherloc (09022015). Collection method: clinical testing. Allele origin: germline.
Comment: This sequence change replaces serine with leucine at codon 575 of the LYST protein (p.Ser575Leu). The serine residue is moderately conserved and there is a large physicochemical difference between serine and leucine. This variant is present in population databases (rs776971122, ExAC 0.005%). This variant has not been reported in the literature in individuals affected with LYST-related conditions. Algorithms developed to predict the effect of missense changes on protein structure and function output the following: SIFT: "Tolerated"; PolyPhen-2: "Benign"; Align-GVGD: "Class C0". The leucine amino acid residue is found in multiple mammalian species, which suggests that this missense change does not adversely affect protein function. In summary, the available evidence is currently insufficient to determine the role of this variant in disease. Therefore, it has been classified as a Variant of Uncertain Significance.